The following is an entry in ClinVar:

ClinVar aggregate classification (germline): Likely benign (1 of 4 stars; one submission).

Submission:

Center for Pediatric Genomic Medicine, Children's Mercy Hospital and Clinics
Classification: Likely benign. Last evaluated: 2015-09-17. Review status: criteria provided, single submitter. Criteria: ACMG Guidelines, 2015. Collection method: clinical testing. Allele origin: germline.
ClinVar note: Converted during submission from Likely Benign to Likely benign.

NC_012920.1(MT-ND5):m.13635T>C

Gene: MT-ND5 (mitochondrially encoded NADH dehydrogenase 5; plus strand).
Variant type: single nucleotide variant.
Genome position: chrM-13635-T-C.
Identifiers: ClinVar variation 235598 (VCV000235598.3), dbSNP rs878853075, ClinGen allele CA10581370.